The following is an entry in ClinVar:

ClinVar aggregate classification (germline): Conflicting classifications of pathogenicity. Review status: criteria provided, conflicting classifications (1 of 4 stars). 5 submissions from 5 submitters: Uncertain significance (3); Likely benign (2). Last evaluated 2026-01-21.

Conditions:
PRF1-related disorder. Also called: PRF1-related condition.
Aplastic anemia. Identifiers: Orphanet 182040, Orphanet 88, MedGen C0002874, MONDO:0015909, OMIM 609135, HP:0001915.
Familial hemophagocytic lymphohistiocytosis 2 (FHL2). Also called: PRF1-Related Familial Hemophagocytic Lymphohistiocytosis (PRF1-fHLH). Identifiers: Orphanet 540, MedGen C1863727, MONDO:0011337, OMIM 603553.

Allele frequency attached by ClinVar (database versions not stated): ESP Exome Variant Server 0.00008; TOPMed 0.00040; ExAC 0.00052; gnomAD exomes 0.00077.
gnomAD v4.1: 259 of 1,613,394 alleles (0.016%); highest among the groups gnomAD compares: Admixed American, 0.34%; 3 homozygotes.

Submissions (5):

Labcorp Genetics (formerly Invitae), Labcorp
Classification: Likely benign for Familial hemophagocytic lymphohistiocytosis 2. Last evaluated: 2026-01-21. Review status: criteria provided, single submitter. Criteria: Invitae Variant Classification Sherloc (09022015). Collection method: clinical testing. Allele origin: germline.

PreventionGenetics, part of Exact Sciences
Classification: Uncertain significance for PRF1-related condition. Last evaluated: 2025-12-04. Review status: criteria provided, single submitter. Criteria: ACMG Guidelines, 2015. Collection method: clinical testing. Allele origin: germline.
Comment: The PRF1 c.1229G>A variant is predicted to result in the amino acid substitution p.Arg410Gln. This variant was reported in the heterozygous state in an individual with suspected hemophagocytic lymphohistiocytosis (Patient ID P9, Zhang et al 2011. PubMed ID: 21881043). This variant is reported in 0.49% of alleles in individuals of Latino descent in gnomAD. Although we suspect that this variant may be benign, at this time, the clinical significance of this variant is uncertain due to the absence of conclusive functional and genetic evidence.

Dasa
Classification: Likely benign. Last evaluated: 2025-05-06. Review status: criteria provided, single submitter. Criteria: DASA Assertion Criteria. Collection method: clinical testing. Allele origin: germline.
Comment: NM_001083116.3(PRF1):c.1229G>A (p.Arg410Gln) is a missense variant that results in the substitution of arginine with glutamine. Population frequency is inconsistent with a disease-causing role for this variant. Computational prediction algorithms are consistent with a benign effect. Therefore, based on the currently available evidence, this variant is classified as likely benign.

Mayo Clinic Laboratories, Mayo Clinic
Classification: Uncertain significance. Last evaluated: 2025-01-01. Review status: criteria provided, single submitter. Criteria: ACMG Guidelines, 2015. Collection method: clinical testing. Allele origin: germline. Observed: 1 variant allele.
Comment: BS1

Baylor Genetics
Classification: Uncertain significance for Aplastic anemia. Last evaluated: 2018-04-27. Review status: criteria provided, single submitter. Criteria: ACMG Guidelines, 2015. Collection method: clinical testing. Allele origin: paternal. Affected: yes.
Comment: This variant was determined to be of uncertain significance according to ACMG Guidelines, 2015 [PMID:25741868].

Literature cited by the submitters: PubMed 21881043 (cited by Mayo Clinic Laboratories, Mayo Clinic).

NM_001083116.3(PRF1):c.1229G>A (p.Arg410Gln)

Gene: PRF1 (perforin 1; minus strand). Cytogenetic location: 10q22.1.
Variant type: single nucleotide variant.
Coding change: c.1229G>A on transcript NM_001083116.3 (MANE Select); coding-DNA position 1229, G replaced by A.
Protein change: p.Arg410Gln; replaces arginine 410 with glutamine.
Molecular consequence: missense variant.
Genome position (GRCh38, 1-based): chr10:70,598,492, C>T on the plus strand (G>A on the coding strand, the complement: PRF1 is on the minus strand). VCF-style: chr10-70598492-C-T. GRCh37 (hg19) VCF-style: chr10-72358248-C-T.
Other names: p.Arg410Gln; c.1229G>A, p.Arg410Gln (NM_005041.6); short protein forms R410Q.
Identifiers: ClinVar variation 782712 (VCV000782712.15), dbSNP rs150558419, ClinGen allele CA5538788.
Genomic context (GRCh38, chr10:70,598,492, plus strand): 5'-TCCCCCCACAGGCCCCATGCTTGGATGAAGGTCACCTCCAGCTGGGCCAGGCCCCTCTGC[C>T]GAGGGCAGCAGTCCTGGGTGGTGACCGCTGAGCCATGGCACACACACTGGCATGGGTCTC-3'
Protein context (NP_001076585.1, residues 400-420): SAVTTQDCCP[Arg410Gln]QRGLAQLEVT